The following is an entry in ClinVar:

NM_001042492.3(NF1):c.7080T>A (p.Phe2360Leu)

Gene: NF1 (neurofibromin 1; plus strand). Cytogenetic location: 17q11.2.
Variant type: single nucleotide variant.
Coding change: c.7080T>A on transcript NM_001042492.3 (MANE Select); coding-DNA position 7080, T replaced by A.
Protein change: p.Phe2360Leu; replaces phenylalanine 2360 with leucine.
Molecular consequence: missense variant.
Genome position (GRCh38, 1-based): chr17:31,343,026, T>A. VCF-style: chr17-31343026-T-A. GRCh37 (hg19) VCF-style: chr17-29670044-T-A.
Other names: c.7017T>A, p.Phe2339Leu (NM_000267.4); short protein forms F2339L, F2360L.
Identifiers: ClinVar variation 972409 (VCV000972409.11), dbSNP rs2069866250, ClinGen allele CA399015539.

ClinVar aggregate classification (germline): Uncertain significance. Review status: criteria provided, multiple submitters, no conflicts (2 of 4 stars). 3 submissions from 3 submitters: Uncertain significance (3). Last evaluated 2024-08-21.

Conditions:
Cardiovascular phenotype. Identifiers: MedGen CN230736.
Hereditary cancer-predisposing syndrome. Also called: Tumor predisposition; Hereditary Cancer Syndrome; Neoplastic Syndromes, Hereditary; Hereditary neoplastic syndrome. Identifiers: Orphanet 140162, MedGen C0027672, MeSH D009386, MONDO:0015356.
Neurofibromatosis, type 1 (NF1). Also called: VON RECKLINGHAUSEN DISEASE; NEUROFIBROMATOSIS, TYPE I, SOMATIC; Peripheral type neurofibromatosis; Neurofibromatosis, type I. Identifiers: Orphanet 636, MedGen C0027831, MONDO:0018975, OMIM 162200. Disease mechanism: loss of function.

Allele frequency attached by ClinVar (database versions not stated): gnomAD 0.00001.
gnomAD v4.1: 1 of 1,614,024 alleles (0.000062%); highest among the groups gnomAD compares: Non-Finnish European, 0.000085%; no homozygotes.

Submissions (3):

Labcorp Genetics (formerly Invitae), Labcorp
Classification: Uncertain significance for Neurofibromatosis, type 1. Last evaluated: 2024-08-21. Review status: criteria provided, single submitter. Criteria: Invitae Variant Classification Sherloc (09022015). Collection method: clinical testing. Allele origin: germline.
Comment: This sequence change replaces phenylalanine, which is neutral and non-polar, with leucine, which is neutral and non-polar, at codon 2339 of the NF1 protein (p.Phe2339Leu). This variant is not present in population databases (gnomAD no frequency). This variant has not been reported in the literature in individuals affected with NF1-related conditions. ClinVar contains an entry for this variant (Variation ID: 972409). Invitae Evidence Modeling of protein sequence and biophysical properties (such as structural, functional, and spatial information, amino acid conservation, physicochemical variation, residue mobility, and thermodynamic stability) indicates that this missense variant is not expected to disrupt NF1 protein function with a negative predictive value of 95%. In summary, the available evidence is currently insufficient to determine the role of this variant in disease. Therefore, it has been classified as a Variant of Uncertain Significance.

GeneDx
Classification: Uncertain significance. Last evaluated: 2022-01-22. Review status: criteria provided, single submitter. Criteria: GeneDx Variant Classification Process June 2021. Collection method: clinical testing. Allele origin: germline. Affected: yes.
Comment: Not observed at significant frequency in large population cohorts (gnomAD); In silico analysis supports that this missense variant does not alter protein structure/function; Has not been previously published as pathogenic or benign to our knowledge; This variant is associated with the following publications: (PMID: 25486365)

Ambry Genetics
Classification: Uncertain significance for Cardiovascular phenotype; Hereditary cancer-predisposing syndrome. Last evaluated: 2020-11-13. Review status: criteria provided, single submitter. Criteria: Ambry Variant Classification Scheme 2023. Collection method: clinical testing. Allele origin: germline.
Comment: The p.F2339L variant (also known as c.7017T>A), located in coding exon 47 of the NF1 gene, results from a T to A substitution at nucleotide position 7017. The phenylalanine at codon 2339 is replaced by leucine, an amino acid with highly similar properties. This amino acid position is highly conserved in available vertebrate species. In addition, the in silico prediction for this alteration is inconclusive. Since supporting evidence is limited at this time, the clinical significance of this alteration remains unclear.